The following is an entry in ClinVar:

ClinVar aggregate classification (germline): Uncertain significance (1 of 4 stars; one submission).

Conditions:
Acrocallosal syndrome (ACLS). Also called: HALLUX DUPLICATION, POSTAXIAL POLYDACTYLY, AND ABSENCE OF CORPUS CALLOSUM; Schinzel syndrome 1; Absence of corpus callosum with unusual facial appearance, mental deficiency, duplication of the halluces and polydactyly. Identifiers: Orphanet 36, MedGen C0796147, MONDO:0008708, OMIM 200990.

Submission:

Labcorp Genetics (formerly Invitae), Labcorp
Classification: Uncertain significance for Acrocallosal syndrome. Last evaluated: 2022-11-15. Review status: criteria provided, single submitter. Criteria: Invitae Variant Classification Sherloc (09022015). Collection method: clinical testing. Allele origin: germline.
Comment: ClinVar contains an entry for this variant (Variation ID: 1521699). This variant has not been reported in the literature in individuals affected with KIF7-related conditions. This variant is not present in population databases (gnomAD no frequency). This sequence change replaces serine, which is neutral and polar, with proline, which is neutral and non-polar, at codon 975 of the KIF7 protein (p.Ser975Pro). In summary, the available evidence is currently insufficient to determine the role of this variant in disease. Therefore, it has been classified as a Variant of Uncertain Significance. Advanced modeling of protein sequence and biophysical properties (such as structural, functional, and spatial information, amino acid conservation, physicochemical variation, residue mobility, and thermodynamic stability) has been performed at Invitae for this missense variant, however the output from this modeling did not meet the statistical confidence thresholds required to predict the impact of this variant on KIF7 protein function.

NM_198525.3(KIF7):c.2923T>C (p.Ser975Pro)

Gene: KIF7 (kinesin family member 7; minus strand). Cytogenetic location: 15q26.1.
Variant type: single nucleotide variant.
Coding change: c.2923T>C on transcript NM_198525.3 (MANE Select); coding-DNA position 2923, T replaced by C.
Protein change: p.Ser975Pro; replaces serine 975 with proline.
Molecular consequence: missense variant.
Genome position (GRCh38, 1-based): chr15:89,631,683, A>G on the plus strand (T>C on the coding strand, the complement: KIF7 is on the minus strand). VCF-style: chr15-89631683-A-G. GRCh37 (hg19) VCF-style: chr15-90174914-A-G.
Other names: short protein forms S975P.
Identifiers: ClinVar variation 1521699 (VCV001521699.8), dbSNP rs2141998345, ClinGen allele CA393757486.